The following is an entry in ClinVar:

ClinVar aggregate classification (germline): Benign (0 of 4 stars; one submission).

Conditions:
ACOT7-related disorder. Also called: ACOT7-related condition.

Allele frequency attached by ClinVar (database versions not stated): gnomAD exomes 0.00117; ExAC 0.00259; 1000 Genomes Project 30x 0.00406; 1000 Genomes Project 0.00479.
gnomAD v4.1: 1,821 of 1,613,738 alleles (0.11%); highest among the groups gnomAD compares: South Asian, 1.9%; 37 homozygotes.

Submission:

PreventionGenetics, part of Exact Sciences
Classification: Benign for ACOT7-related condition. Last evaluated: 2019-04-18. Review status: no assertion criteria provided. Collection method: clinical testing. Allele origin: germline.
Comment: This variant is classified as benign based on ACMG/AMP sequence variant interpretation guidelines (Richards et al. 2015 PMID: 25741868, with internal and published modifications).

NM_007274.4(ACOT7):c.384G>A (p.Val128=)

Gene: ACOT7 (acyl-CoA thioesterase 7; minus strand). Cytogenetic location: 1p36.31.
Variant type: single nucleotide variant.
Coding change: c.384G>A on transcript NM_007274.4 (MANE Select); coding-DNA position 384, G replaced by A.
Protein change: p.Val128=; no amino-acid change (valine 128 retained).
Molecular consequence: synonymous variant.
Genome position (GRCh38, 1-based): chr1:6,339,467, C>T on the plus strand (G>A on the coding strand, the complement: ACOT7 is on the minus strand). VCF-style: chr1-6339467-C-T. GRCh37 (hg19) VCF-style: chr1-6399527-C-T.
Other names: c.414G>A, p.Val138= (NM_181864.3); c.324G>A, p.Val108= (NM_181865.3); c.261G>A, p.Val87= (NM_181866.3).
Identifiers: ClinVar variation 3048989 (VCV003048989.2), dbSNP rs553874430, ClinGen allele CA559463.